The following is an entry in ClinVar:

NM_001366385.1(CARD14):c.2388C>G (p.Ser796Arg)

Genes: SGSH (N-sulfoglucosamine sulfohydrolase; minus strand), CARD14 (caspase recruitment domain family member 14; plus strand). Cytogenetic location: 17q25.3.
Variant type: single nucleotide variant.
Coding change: c.2388C>G on transcript NM_001366385.1 (MANE Select); coding-DNA position 2388, C replaced by G.
Protein change: p.Ser796Arg; replaces serine 796 with arginine.
Molecular consequence: missense variant. On other transcripts: non-coding transcript variant (1).
Genome position (GRCh38, 1-based): chr17:80,204,331, C>G. VCF-style: chr17-80204331-C-G. GRCh37 (hg19) VCF-style: chr17-78178130-C-G.
Other names: c.2388C>G, p.Ser796Arg (NM_024110.4); short protein forms S796R.
Identifiers: ClinVar variation 1957465 (VCV001957465.5), dbSNP rs781104146, ClinGen allele CA401355665.
Genomic context (GRCh38, chr17:80,204,331, plus strand): 5'-GGACAAAGCCAAGGCCAGCCCTCTGCGTTTGTCCTTTGACAGGGGCCAGTTGGACCCCAG[C>G]AGGATGGAGGGTGAGGCCTGGTGAGCTGGCACAGGGGCCACTGGCTCCAAGTGGGTGAGG-3'
Protein context (NP_001353314.1, residues 786-806): LSFDRGQLDP[Ser796Arg]RMEGSSTCFW

ClinVar aggregate classification (germline): Uncertain significance (1 of 4 stars; one submission).

Conditions:
Psoriasis 2. Identifiers: MedGen C1864497, MONDO:0011269, OMIM 602723.
Pityriasis rubra pilaris (PRP). Also called: Pityriasis rubra pilaris--familial type. Identifiers: Orphanet 2897, MedGen C0032027, MONDO:0100017, OMIM 173200, MONDO:0008251.

gnomAD v4.1: 1 of 1,576,178 alleles (0.000063%); highest among the groups gnomAD compares: Non-Finnish European, 0.000087%; no homozygotes.

Submission:

Labcorp Genetics (formerly Invitae), Labcorp
Classification: Uncertain significance for Pityriasis rubra pilaris; Psoriasis 2. Last evaluated: 2022-05-16. Review status: criteria provided, single submitter. Criteria: Invitae Variant Classification Sherloc (09022015). Collection method: clinical testing. Allele origin: germline.
Comment: In summary, the available evidence is currently insufficient to determine the role of this variant in disease. Therefore, it has been classified as a Variant of Uncertain Significance. Algorithms developed to predict the effect of missense changes on protein structure and function (SIFT, PolyPhen-2, Align-GVGD) all suggest that this variant is likely to be tolerated. This variant has not been reported in the literature in individuals affected with CARD14-related conditions. This variant is not present in population databases (gnomAD no frequency). This sequence change replaces serine, which is neutral and polar, with arginine, which is basic and polar, at codon 796 of the CARD14 protein (p.Ser796Arg).